The following is an entry in ClinVar:

ClinVar aggregate classification (germline): Likely pathogenic. Review status: criteria provided, multiple submitters, no conflicts (2 of 4 stars). 2 submissions from 2 submitters: Likely pathogenic (2). Last evaluated 2023-08-31.

Conditions:
Bardet-Biedl syndrome (BBS). Identifiers: Orphanet 110, MedGen C0752166, MONDO:0015229.
Bardet-Biedl syndrome 2 (BBS2). Identifiers: Orphanet 110, MedGen C2936863, MONDO:0014432, OMIM 615981.

Submissions (2):

Labcorp Genetics (formerly Invitae), Labcorp
Classification: Likely pathogenic for Bardet-Biedl syndrome. Last evaluated: 2023-08-31. Review status: criteria provided, single submitter. Criteria: Invitae Variant Classification Sherloc (09022015). Collection method: clinical testing. Allele origin: germline.
Comment: Algorithms developed to predict the effect of sequence changes on RNA splicing suggest that this variant may disrupt the consensus splice site. This variant is not present in population databases (gnomAD no frequency). This variant has not been reported in the literature in individuals affected with BBS2-related conditions. ClinVar contains an entry for this variant (Variation ID: 1339082). In summary, the currently available evidence indicates that the variant is pathogenic, but additional data are needed to prove that conclusively. Therefore, this variant has been classified as Likely Pathogenic. This sequence change affects a donor splice site in intron 12 of the BBS2 gene. It is expected to disrupt RNA splicing. Variants that disrupt the donor or acceptor splice site typically lead to a loss of protein function (PMID: 16199547), and loss-of-function variants in BBS2 are known to be pathogenic (PMID: 11285252, 20177705, 24608809, 26518167).

Neuberg Centre For Genomic Medicine, NCGM
Classification: Likely pathogenic for Bardet-Biedl syndrome 2. Review status: criteria provided, single submitter. Criteria: ACMG Guidelines, 2015. Collection method: clinical testing. Allele origin: germline. Affected: yes.
Comment: The splice donor variant c.1527+1G>A in BBS2 (NM_031885.5) has not been reported previously as a pathogenic variant nor as a benign variant, to our knowledge. The c.1527+1G>A variant is novel (not in any individuals) in gnomAD Exomes and is novel (not in any individuals) in 1000 Genomes. This variant affects an invariant splice nucleotide and hence is predicted to cause loss of function. Loss of function variants have been reported to be disease causing. For these reasons, this variant has been classified as Likely Pathogenic.

Literature cited by the submitters: PubMed 16199547 (cited by Labcorp Genetics (formerly Invitae), Labcorp); PubMed 11285252 (cited by Labcorp Genetics (formerly Invitae), Labcorp); PubMed 20177705 (cited by Labcorp Genetics (formerly Invitae), Labcorp); PubMed 24608809 (cited by Labcorp Genetics (formerly Invitae), Labcorp); PubMed 26518167 (cited by Labcorp Genetics (formerly Invitae), Labcorp).

NM_031885.5(BBS2):c.1527+1G>A

Gene: BBS2 (Bardet-Biedl syndrome 2; minus strand). Cytogenetic location: 16q13.
Variant type: single nucleotide variant.
Coding change: c.1527+1G>A on transcript NM_031885.5 (MANE Select); the canonical splice donor site of the intron after coding-DNA position 1527, G replaced by A.
Molecular consequence: splice donor variant.
Genome position (GRCh38, 1-based): chr16:56,499,777, C>T on the plus strand (G>A on the coding strand, the complement: BBS2 is on the minus strand). VCF-style: chr16-56499777-C-T. GRCh37 (hg19) VCF-style: chr16-56533689-C-T.
Other names: c.1527+1G>A (NM_001377456.1).
Identifiers: ClinVar variation 1339082 (VCV001339082.5), dbSNP rs2144138948, ClinGen allele CA395977486.
Genomic context (GRCh38, chr16:56,499,777, plus strand): 5'-AAATAACATCTAAAGGATTCTACTGTGTAAAAGCATTGAAAGAGAAAAGCGAGATACTCA[C>T]CCTCTGTGCCCGTTCTGCAATGGTAAAGTTAACATAACTGATTGGCTCACTGGCAGGGTC-3'